The following is an entry in ClinVar:

ClinVar aggregate classification (germline): Likely pathogenic. Review status: criteria provided, multiple submitters, no conflicts (2 of 4 stars). 2 submissions from 2 submitters: Likely pathogenic (2). Last evaluated 2025-03-31.

Conditions:
Meckel syndrome, type 5 (MKS5). Identifiers: Orphanet 564, MedGen C1969052, MONDO:0012695, OMIM 611561.
Joubert syndrome 7 (JBTS7). Identifiers: Orphanet 220497, MedGen C1969053, MONDO:0012694, OMIM 611560.
COACH syndrome 3. Identifiers: MedGen C5436841, MONDO:0030862, OMIM 619113.
Joubert syndrome. Also called: CEREBELLOPARENCHYMAL DISORDER IV; JOUBERT-BOLTSHAUSER SYNDROME; Familial aplasia of the vermis. Identifiers: Orphanet 475, MedGen C5979921, MONDO:0018772.
Meckel-Gruber syndrome. Also called: DYSENCEPHALIA SPLANCHNOCYSTICA; GRUBER SYNDROME; Dysencephalia splachnocystica. Identifiers: Orphanet 564, MedGen C0265215, MONDO:0018921.

Submissions (2):

Labcorp Genetics (formerly Invitae), Labcorp
Classification: Likely pathogenic for Joubert syndrome; Meckel-Gruber syndrome. Last evaluated: 2025-03-31. Review status: criteria provided, single submitter. Criteria: Invitae Variant Classification Sherloc (09022015). Collection method: clinical testing. Allele origin: germline.
Comment: This sequence change affects a donor splice site in intron 23 of the RPGRIP1L gene. It is expected to disrupt RNA splicing. Variants that disrupt the donor or acceptor splice site typically lead to a loss of protein function (PMID: 16199547), and loss-of-function variants in RPGRIP1L are known to be pathogenic (PMID: 17558409). This variant is not present in population databases (gnomAD no frequency). This variant has not been reported in the literature in individuals affected with RPGRIP1L-related conditions. ClinVar contains an entry for this variant (Variation ID: 2163572). Algorithms developed to predict the effect of sequence changes on RNA splicing suggest that this variant may disrupt the consensus splice site. In summary, the currently available evidence indicates that the variant is pathogenic, but additional data are needed to prove that conclusively. Therefore, this variant has been classified as Likely Pathogenic.

Fulgent Genetics
Classification: Likely pathogenic for Joubert syndrome 7; Meckel syndrome, type 5; COACH syndrome 3. Last evaluated: 2024-05-04. Review status: criteria provided, single submitter. Criteria: ACMG Guidelines, 2015. Collection method: clinical testing. Allele origin: germline.

Literature cited by the submitters: PubMed 16199547 (cited by Labcorp Genetics (formerly Invitae), Labcorp); PubMed 17558409 (cited by Labcorp Genetics (formerly Invitae), Labcorp).

NM_015272.5(RPGRIP1L):c.3432+1G>A

Gene: RPGRIP1L (RPGRIP1 like; minus strand). Cytogenetic location: 16q12.2.
Variant type: single nucleotide variant.
Coding change: c.3432+1G>A on transcript NM_015272.5 (MANE Select); the canonical splice donor site of the intron after coding-DNA position 3432, G replaced by A.
Molecular consequence: splice donor variant. On other transcripts: intron variant (2).
Genome position (GRCh38, 1-based): chr16:53,622,218, C>T on the plus strand (G>A on the coding strand, the complement: RPGRIP1L is on the minus strand). VCF-style: chr16-53622218-C-T. GRCh37 (hg19) VCF-style: chr16-53656130-C-T.
Other names: c.3193-3010G>A (NM_001127897.4); c.3330+1G>A (NM_001330538.2); c.3295-3010G>A (NM_001308334.3).
Identifiers: ClinVar variation 2163572 (VCV002163572.5), dbSNP rs2150974573, ClinGen allele CA395923929.